The following is an entry in ClinVar:

ClinVar aggregate classification (germline): Conflicting classifications of pathogenicity. Review status: criteria provided, conflicting classifications (1 of 4 stars). 2 submissions from 2 submitters: Likely pathogenic (1); Uncertain significance (1). Last evaluated 2024-08-30.

Conditions:
LPL-related disorder. Also called: LPL-related condition.

gnomAD v4.1: 1 of 1,614,130 alleles (0.000062%); highest among the groups gnomAD compares: East Asian, 0.0022%; no homozygotes.

Submissions (2):

Women's Health and Genetics/Laboratory Corporation of America, LabCorp
Classification: Uncertain significance. Last evaluated: 2024-08-30. Review status: criteria provided, single submitter. Criteria: LabCorp Variant Classification Summary - May 2015. Collection method: clinical testing. Allele origin: germline.
Comment: Variant summary: LPL c.913T>C (p.Cys305Arg) results in a non-conservative amino acid change located in the Lipase dimain (IPR013818) of the encoded protein sequence. Five of five in-silico tools predict a damaging effect of the variant on protein function. The variant allele was found at a frequency of 4e-06 in 251346 control chromosomes. The available data on variant occurrences in the general population are insufficient to allow any conclusion about variant significance. c.913T>C has been reported in the literature as compound heterozygous genotype in at least one individual affected with Familial Lipoprotein Lipase Deficiency (Lee_2008). These report(s) do not provide unequivocal conclusions about association of the variant with Familial Lipoprotein Lipase Deficiency. To our knowledge, no experimental evidence demonstrating an impact on protein function has been reported. The following publications have been ascertained in the context of this evaluation (PMID: 36325899, 17884031, 15256764, 27055971). No submitters have cited clinical-significance assessments for this variant to ClinVar. Based on the evidence outlined above, the variant was classified as uncertain significance.

Blueprint Genetics
Classification: Likely pathogenic for LPL-related disorders. Last evaluated: 2023-06-29. Review status: criteria provided, single submitter. Criteria: ACMG Guidelines, 2015. Collection method: clinical testing. Allele origin: germline. Affected: yes. Observed: 1 variant allele.

Literature cited by the submitters: PubMed 27055971 (cited by Women's Health and Genetics/Laboratory Corporation of America, LabCorp); PubMed 36325899 (cited by Women's Health and Genetics/Laboratory Corporation of America, LabCorp); PubMed 17884031 (cited by Women's Health and Genetics/Laboratory Corporation of America, LabCorp); PubMed 15256764 (cited by Women's Health and Genetics/Laboratory Corporation of America, LabCorp).

NM_000237.3(LPL):c.913T>C (p.Cys305Arg)

Gene: LPL (lipoprotein lipase; plus strand). Cytogenetic location: 8p21.3.
Variant type: single nucleotide variant.
Coding change: c.913T>C on transcript NM_000237.3 (MANE Select); coding-DNA position 913, T replaced by C.
Protein change: p.Cys305Arg; replaces cysteine 305 with arginine.
Molecular consequence: missense variant.
Genome position (GRCh38, 1-based): chr8:19,955,978, T>C. VCF-style: chr8-19955978-T-C. GRCh37 (hg19) VCF-style: chr8-19813489-T-C.
Other names: short protein forms C305R.
Identifiers: ClinVar variation 3366687 (VCV003366687.2).
Genomic context (GRCh38, chr8:19,955,978, plus strand): 5'-CCAAGTAAGGCCTACAGGTGCAGTTCCAAGGAAGCCTTTGAGAAAGGGCTCTGCTTGAGT[T>C]GTAGAAAGAACCGCTGCAACAATCTGGGCTATGAGATCAATAAAGTCAGAGCCAAAAGAA-3'
Protein context (NP_000228.1, residues 295-315): EAFEKGLCLS[Cys305Arg]RKNRCNNLGY